The following is an entry in ClinVar:

ClinVar aggregate classification (germline): Pathogenic/Likely pathogenic. Review status: criteria provided, multiple submitters, no conflicts (2 of 4 stars). 2 submissions from 2 submitters: Pathogenic (1); Likely pathogenic (1). Last evaluated 2024-11-28.

Conditions:
Intellectual developmental disorder, autosomal dominant 51. Also called: Intellectual disability, autosomal dominant 51; MENTAL RETARDATION, AUTOSOMAL DOMINANT 51. Identifiers: Orphanet 684226, MedGen C4540474, MONDO:0030917, OMIM 617788.

Submissions (2):

Division of Genetic & Genomic Pathology, Hong Kong Children's Hospital
Classification: Likely pathogenic for Intellectual developmental disorder, autosomal dominant 51. Last evaluated: 2024-11-28. Review status: criteria provided, single submitter. Criteria: ACMG Guidelines, 2015. Collection method: clinical testing. Allele origin: germline. Affected: yes.
Comment: KMT5B c.554_557del is a 4-nucleotide deletion located in exon 6 (out of 11 exons). It disrupts the original reading frame of the gene and is predicted to result in loss of protein function by nonsense-mediated mRNA decay. This variant is reported at a very low frequency in population databases (gnomAD v4.1.0: 1 in 1,601,924 alleles). The variant has been reported in at least two patients with autism with no clinical information provided (PMID: 27824329 and 31332282; ClinVar accession: VCV001683944.2). Since KMT5B is a known haploinsufficient gene (CCID:007379; PMID: 36897941), the variant is classified as likely pathogenic.

GeneDx
Classification: Pathogenic. Last evaluated: 2024-11-04. Review status: criteria provided, single submitter. Criteria: GeneDx Variant Classification Process June 2021. Collection method: clinical testing. Allele origin: germline. Affected: yes.
Comment: Frameshift variant predicted to result in protein truncation or nonsense mediated decay in a gene for which loss of function is a known mechanism of disease; Not observed at significant frequency in large population cohorts (gnomAD); This variant is associated with the following publications: (PMID: 25363760, 31332282, 31981491, 31785789, 35468861, 35982160, 35982159, 27824329)

Literature cited by the submitters: PubMed 27824329 (cited by Division of Genetic & Genomic Pathology, Hong Kong Children's Hospital); PubMed 31332282 (cited by Division of Genetic & Genomic Pathology, Hong Kong Children's Hospital); PubMed 36897941 (cited by Division of Genetic & Genomic Pathology, Hong Kong Children's Hospital).

NM_017635.5(KMT5B):c.554_557del (p.Tyr185fs)

Gene: KMT5B (lysine methyltransferase 5B; minus strand). Cytogenetic location: 11q13.2.
Variant type: Microsatellite.
Coding change: c.554_557del on transcript NM_017635.5 (MANE Select); coding-DNA positions 554 to 557, 4 bases deleted (ATTT; older notation c.554_557delATTT).
Protein change: p.Tyr185fs; shifts the reading frame from tyrosine 185.
Molecular consequence: frameshift variant. On other transcripts: 5 prime UTR variant (1), non-coding transcript variant (3).
Genome position (GRCh38, 1-based): chr11:68,173,900-68,173,903, AAAT deleted on the plus strand (ATTT on the coding strand, the reverse complement: KMT5B is on the minus strand); deleting any 4 consecutive bases within chr11:68,173,900-68,173,912 gives the same sequence; the c. name uses the placement nearest the transcript's 3' end. VCF-style (leftmost placement, unchanged base first): chr11-68173899-CAAAT-C. GRCh37 (hg19) VCF-style: chr11-67941366-CAAAT-C.
Other names: c.38_41del, p.Tyr13fs (NM_001300907.1, NM_001369424.1, NM_001369428.1 and 5 more transcripts); c.-122ATTT[2] (NM_001300908.2); c.485_488del, p.Tyr162fs (NM_001300909.2); c.554_557del, p.Tyr185fs (NM_001363566.2, NM_001369426.1, NM_001369427.1 and 1 more transcripts); c.341_344del, p.Tyr114fs (NM_001369425.1); short protein forms Y114fs, Y13fs, Y162fs, Y185fs.
Identifiers: ClinVar variation 1683944 (VCV001683944.4), dbSNP rs751145286, ClinGen allele CA6148375.